The following is an entry in ClinVar:

NM_020631.6(PLEKHG5):c.-88+6188G>A

Gene: PLEKHG5 (pleckstrin homology and RhoGEF domain containing G5; minus strand). Cytogenetic location: 1p36.31.
Variant type: single nucleotide variant.
Coding change: c.-88+6188G>A on transcript NM_020631.6 (MANE Select); 6188 bases into the intron after 88 bases upstream of the start codon, G replaced by A.
Molecular consequence: intron variant. On other transcripts: 5 prime UTR variant (1).
Genome position (GRCh38, 1-based): chr1:6,485,449, C>T on the plus strand (G>A on the coding strand, the complement: PLEKHG5 is on the minus strand). VCF-style: chr1-6485449-C-T. GRCh37 (hg19) VCF-style: chr1-6545509-C-T.
Other names: c.-6G>A (NM_001265593.2); c.-87-7791G>A (NM_198681.4); c.25-7791G>A (NM_001042663.3, NM_001265592.2); c.-88+4996G>A (NM_001265594.3, NM_001042664.2); c.-88+387G>A (NM_001042665.2); c.151-7791G>A (NM_001265592.1).
Identifiers: ClinVar variation 994221 (VCV000994221.15), dbSNP rs577217925, ClinGen allele CA562087.

ClinVar aggregate classification (germline): Benign/Likely benign. Review status: criteria provided, multiple submitters, no conflicts (2 of 4 stars). 5 submissions from 5 submitters: Benign (3); Likely benign (1). 1 of the submissions does not count toward it. Last evaluated 2024-11-26.

Conditions:
PLEKHG5-related disorder. Also called: PLEKHG5-related condition.

Allele frequency attached by ClinVar (database versions not stated): gnomAD exomes 0.00221; gnomAD 0.02046 and 0.02161; TOPMed 0.02310; ExAC 0.02778; 1000 Genomes Project 0.02955; 1000 Genomes Project 30x 0.03107.
gnomAD v4.1: 5,733 of 1,262,340 alleles (0.45%); highest among the groups gnomAD compares: African/African-American, 7.2%; 216 homozygotes.

Submissions (5):

Blueprint Genetics
Classification: Likely benign. Last evaluated: 2024-11-26. Review status: criteria provided, single submitter. Criteria: ACMG Guidelines, 2015. Collection method: clinical testing. Allele origin: germline.

ARUP Laboratories, Molecular Genetics and Genomics, ARUP Laboratories
Classification: Benign. Last evaluated: 2023-11-28. Review status: criteria provided, single submitter. Criteria: ARUP Molecular Germline Variant Investigation Process 2024. Collection method: clinical testing. Allele origin: germline.

GeneDx
Classification: Benign. Last evaluated: 2018-07-28. Review status: criteria provided, single submitter. Criteria: GeneDx Variant Classification Process June 2021. Collection method: clinical testing. Allele origin: germline. Affected: yes.

Breakthrough Genomics
Classification: Benign. Review status: criteria provided, single submitter. Criteria: ACMG Guidelines, 2015. Collection method: not provided. Allele origin: germline. Inheritance: Autosomal recessive inheritance. Affected: yes.

PreventionGenetics, part of Exact Sciences
Classification: Benign for PLEKHG5-related condition. Last evaluated: 2019-03-04. Review status: no assertion criteria provided. Collection method: clinical testing. Allele origin: germline. Not counted in ClinVar's aggregate classification.
Comment: This variant is classified as benign based on ACMG/AMP sequence variant interpretation guidelines (Richards et al. 2015 PMID: 25741868, with internal and published modifications).